The following is an entry in ClinVar:

NM_017460.6(CYP3A4):c.1334T>C (p.Met445Thr)

Gene: CYP3A4 (cytochrome P450 family 3 subfamily A member 4; minus strand). Cytogenetic location: 7q22.1.
Variant type: single nucleotide variant.
Coding change: c.1334T>C on transcript NM_017460.6 (MANE Select); coding-DNA position 1334, T replaced by C.
Protein change: p.Met445Thr; replaces methionine 445 with threonine.
Molecular consequence: missense variant.
Genome position (GRCh38, 1-based): chr7:99,760,901, A>G on the plus strand (T>C on the coding strand, the complement: CYP3A4 is on the minus strand). VCF-style: chr7-99760901-A-G. GRCh37 (hg19) VCF-style: chr7-99358524-A-G.
Other names: c.1331T>C, p.Met444Thr (NM_001202855.3); short protein forms M444T, M445T.
Identifiers: ClinVar variation 4533485 (VCV004533485.6).
Genomic context (GRCh38, chr7:99,760,901, plus strand): 5'-AAGGAGAAGTTCTGAAGGACTCTGATTAGAGCAAGTTTCATGTTCATGAGAGCAAACCTC[A>G]TGCCAATGCAGTTTCTGGGTCCACTTCCAAAGGGTGTGTATATGTAAGGATCTATGTTGT-3'
Protein context (NP_059488.2, residues 435-455): FGSGPRNCIG[Met445Thr]RFALMNMKLA

ClinVar aggregate classification (germline): Likely benign (1 of 4 stars; one submission).

Submission:

CeGaT Center for Human Genetics Tuebingen
Classification: Likely benign. Last evaluated: 2026-01-01. Review status: criteria provided, single submitter. Criteria: CeGaT Center For Human Genetics Tuebingen Variant Classification Criteria Version 2. Collection method: clinical testing. Allele origin: germline. Affected: yes. Observed: 2 variant alleles.
Comment: CYP3A4: BS2